The following is an entry in ClinVar:

NM_007294.4(BRCA1):c.1421T>C (p.Leu474Ser)

Gene: BRCA1 (BRCA1 DNA repair associated; minus strand). Cytogenetic location: 17q21.31.
Variant type: single nucleotide variant.
Coding change: c.1421T>C on transcript NM_007294.4 (MANE Select); coding-DNA position 1421, T replaced by C.
Protein change: p.Leu474Ser; replaces leucine 474 with serine.
Molecular consequence: missense variant. On other transcripts: intron variant (137).
Genome position (GRCh38, 1-based): chr17:43,094,110, A>G on the plus strand (T>C on the coding strand, the complement: BRCA1 is on the minus strand). VCF-style: chr17-43094110-A-G. GRCh37 (hg19) VCF-style: chr17-41246127-A-G.
Other names: c.917T>C, p.Leu306Ser (NM_001407965.1); c.533T>C, p.Leu178Ser (NM_001407966.1, NM_001407967.1); c.1280T>C, p.Leu427Ser (NM_007297.4, NM_001407692.1, NM_001407729.1 and 29 more transcripts); c.1421T>C, p.Leu474Ser (NM_007300.4, NM_001407581.1, NM_001407582.1 and 30 more transcripts); c.646+634T>C (NM_001408458.1, NM_001408469.1, NM_001408453.1 and 11 more transcripts); c.283+634T>C (NM_001408512.1); c.406+634T>C (NM_001408510.1); c.643+634T>C (NM_001408470.1, NM_001408464.1, NM_001408468.1 and 3 more transcripts); and 40 more; short protein forms L427S, L474S, L385S, L448S, L347S, L403S, L426S, L432S.
Identifiers: ClinVar variation 805950 (VCV000805950.6), dbSNP rs80357490, ClinGen allele CA10599205.

ClinVar aggregate classification (germline): Likely benign. Review status: criteria provided, single submitter (1 of 4 stars). 2 submissions from 2 submitters: Likely benign (1). 1 of the submissions does not count toward it. Last evaluated 2023-03-23.

Conditions:
Hereditary cancer-predisposing syndrome. Also called: Hereditary Cancer Syndrome; Hereditary neoplastic syndrome; Neoplastic Syndromes, Hereditary; Tumor predisposition. Identifiers: Orphanet 140162, MedGen C0027672, MeSH D009386, MONDO:0015356.
Breast-ovarian cancer, familial, susceptibility to, 1 (BROVCA1). Also called: OVARIAN CANCER, SUSCEPTIBILITY TO; BRCA1 Hereditary Breast and Ovarian Cancer. Identifiers: Orphanet 145, MedGen C2676676, MONDO:0011450, OMIM 604370. Disease mechanism: loss of function.

Submissions (2):

University of Washington Department of Laboratory Medicine, University of Washington
Classification: Likely benign for Hereditary cancer-predisposing syndrome. Last evaluated: 2023-03-23. Review status: criteria provided, single submitter. Criteria: Dines et al. (Genet Med. 2020). Collection method: curation. Allele origin: germline.
Comment: Missense variant in a coldspot region where missense variants are very unlikely to be pathogenic (PMID:31911673).

BRCA1 coldspot (exon 11 using historical exon numbering). Reclassification based on statistical prior probability

International Hereditary Cancer Center PUM, Pomeranian Medical University
Classification: Likely benign for Breast-ovarian cancer, familial, susceptibility to, 1. Last evaluated: 2020-01-15. Review status: no assertion criteria provided. Collection method: clinical testing. Allele origin: germline. Inheritance: Autosomal dominant inheritance. Affected: yes. Observed: 1 heterozygote. Not counted in ClinVar's aggregate classification.
Comment: This strongly suggests that this is a benign variant.